The following is an entry in ClinVar:

ClinVar aggregate classification (germline): Uncertain significance (1 of 4 stars; one submission).

gnomAD v4.1: 11 of 1,614,010 alleles (0.00068%); highest among the groups gnomAD compares: Middle Eastern, 0.016%; no homozygotes.

Submission:

Labcorp Genetics (formerly Invitae), Labcorp
Classification: Uncertain significance. Last evaluated: 2024-07-19. Review status: criteria provided, single submitter. Criteria: Invitae Variant Classification Sherloc (09022015). Collection method: clinical testing. Allele origin: germline.
Comment: This sequence change replaces arginine, which is basic and polar, with cysteine, which is neutral and slightly polar, at codon 76 of the CDH23 protein (p.Arg76Cys). This variant is not present in population databases (gnomAD no frequency). This variant has not been reported in the literature in individuals affected with CDH23-related conditions. ClinVar contains an entry for this variant (Variation ID: 2188400). Advanced modeling of protein sequence and biophysical properties (such as structural, functional, and spatial information, amino acid conservation, physicochemical variation, residue mobility, and thermodynamic stability) performed at Invitae indicates that this missense variant is not expected to disrupt CDH23 protein function with a negative predictive value of 95%. In summary, the available evidence is currently insufficient to determine the role of this variant in disease. Therefore, it has been classified as a Variant of Uncertain Significance.

NM_022124.6(CDH23):c.226C>T (p.Arg76Cys)

Genes: CDH23 (cadherin related 23; plus strand), CDH23-AS1 (CDH23 antisense RNA 1; minus strand). Cytogenetic location: 10q22.1.
Variant type: single nucleotide variant.
Coding change: c.226C>T on transcript NM_022124.6 (MANE Select); coding-DNA position 226, C replaced by T.
Protein change: p.Arg76Cys; replaces arginine 76 with cysteine.
Molecular consequence: missense variant.
Genome position (GRCh38, 1-based): chr10:71,510,162, C>T. VCF-style: chr10-71510162-C-T. GRCh37 (hg19) VCF-style: chr10-73269919-C-T.
Other names: c.226C>T, p.Arg76Cys (NM_001171930.2, NM_001171931.2, NM_001171932.2 and 1 more transcripts); short protein forms R76C.
Identifiers: ClinVar variation 2188400 (VCV002188400.3), dbSNP rs746779432, ClinGen allele CA209419919.
Genomic context (GRCh38, chr10:71,510,162, plus strand): 5'-CTGGCCCAAGACATGGACAATGACCCCCTGGTGTTTGGCGTGTCTGGGGAGGAGGCCTCT[C>T]GCTTCTTTGCAGTGGAGCCTGACACTGGCGTGGTGTGGCTCCGGCAGCCACTGGACAGAG-3'
Protein context (NP_071407.4, residues 66-86): VFGVSGEEAS[Arg76Cys]FFAVEPDTGV